The following is an entry in ClinVar:

NM_032043.3(BRIP1):c.1166T>A (p.Val389Asp)

Gene: BRIP1 (BRCA1 interacting DNA helicase 1; minus strand). Cytogenetic location: 17q23.2.
Variant type: single nucleotide variant.
Coding change: c.1166T>A on transcript NM_032043.3 (MANE Select); coding-DNA position 1166, T replaced by A.
Protein change: p.Val389Asp; replaces valine 389 with aspartic acid.
Molecular consequence: missense variant.
Genome position (GRCh38, 1-based): chr17:61,799,274, A>T on the plus strand (T>A on the coding strand, the complement: BRIP1 is on the minus strand). VCF-style: chr17-61799274-A-T. GRCh37 (hg19) VCF-style: chr17-59876635-A-T.
Other names: short protein forms V389D.
Identifiers: ClinVar variation 5033391 (VCV005033391.1).

ClinVar aggregate classification (germline): Uncertain significance (1 of 4 stars; one submission).

Conditions:
Hereditary cancer-predisposing syndrome. Also called: Neoplastic Syndromes, Hereditary; Tumor predisposition; Hereditary neoplastic syndrome; Hereditary Cancer Syndrome. Identifiers: Orphanet 140162, MedGen C0027672, MeSH D009386, MONDO:0015356.

Submission:

Ambry Genetics
Classification: Uncertain significance for Hereditary cancer-predisposing syndrome. Last evaluated: 2026-06-28. Review status: criteria provided, single submitter. Criteria: Ambry Variant Classification Scheme 2023. Collection method: clinical testing. Allele origin: germline.
Comment: The p.V389D variant (also known as c.1166T>A), located in coding exon 8 of the BRIP1 gene, results from a T to A substitution at nucleotide position 1166. The valine at codon 389 is replaced by aspartic acid, an amino acid with highly dissimilar properties. This amino acid position is conserved. In addition, this alteration is predicted to be deleterious by in silico analysis. Based on the available evidence, the clinical significance of this variant remains unclear.